The following is an entry in ClinVar:

NM_001267550.2(TTN):c.106219A>G (p.Lys35407Glu)

Genes: TTN (titin; minus strand), TTN-AS1 (TTN antisense RNA 1; plus strand). Cytogenetic location: 2q31.2.
Variant type: single nucleotide variant.
Coding change: c.106219A>G on transcript NM_001267550.2 (MANE Select); coding-DNA position 106219, A replaced by G.
Protein change: p.Lys35407Glu; replaces lysine 35407 with glutamic acid.
Molecular consequence: missense variant.
Genome position (GRCh38, 1-based): chr2:178,530,396, T>C on the plus strand (A>G on the coding strand, the complement: TTN is on the minus strand). VCF-style: chr2-178530396-T-C. GRCh37 (hg19) VCF-style: chr2-179395123-T-C.
Other names: c.101296A>G, p.Lys33766Glu (NM_001256850.1); c.79024A>G, p.Lys26342Glu (NM_003319.4); c.98515A>G, p.Lys32839Glu (NM_133378.4); c.79399A>G, p.Lys26467Glu (NM_133432.3); c.79600A>G, p.Lys26534Glu (NM_133437.4); short protein forms K26342E, K33766E, K26467E, K26534E, K32839E, K35407E.
Identifiers: ClinVar variation 934174 (VCV000934174.10), dbSNP rs1688576388, ClinGen allele CA349406565.

ClinVar aggregate classification (germline): Uncertain significance (1 of 4 stars; one submission).

Conditions:
Dilated cardiomyopathy 1G (CMD1G). Identifiers: Orphanet 154, MedGen C1858763, MONDO:0011400, OMIM 604145.
Autosomal recessive limb-girdle muscular dystrophy type 2J (LGMDR10). Also called: Limb-girdle muscular dystrophy, type 2J; MUSCULAR DYSTROPHY, LIMB-GIRDLE, AUTOSOMAL RECESSIVE 10. Identifiers: Orphanet 140922, MedGen C1837342, MONDO:0012127, OMIM 608807.

Submission:

Labcorp Genetics (formerly Invitae), Labcorp
Classification: Uncertain significance for Dilated cardiomyopathy 1G; Autosomal recessive limb-girdle muscular dystrophy type 2J. Last evaluated: 2022-02-04. Review status: criteria provided, single submitter. Criteria: Invitae Variant Classification Sherloc (09022015). Collection method: clinical testing. Allele origin: germline.
Comment: This sequence change replaces lysine, which is basic and polar, with glutamic acid, which is acidic and polar, at codon 35407 of the TTN protein (p.Lys35407Glu). This variant is not present in population databases (gnomAD no frequency). This variant has not been reported in the literature in individuals affected with TTN-related conditions. ClinVar contains an entry for this variant (Variation ID: 934174). Experimental studies and prediction algorithms are not available or were not evaluated, and the functional significance of this variant is currently unknown. This variant is located in the M band of TTN (PMID: 25589632). Variants in this region may be relevant for neuromuscular disorders, but have not been definitively shown to cause cardiomyopathy (PMID: 23975875). In summary, the available evidence is currently insufficient to determine the role of this variant in disease. Therefore, it has been classified as a Variant of Uncertain Significance.

Literature cited by the submitters: PubMed 25589632; PubMed 23975875.